The following is an entry in ClinVar:

ClinVar aggregate classification (germline): Conflicting classifications of pathogenicity. Review status: criteria provided, conflicting classifications (1 of 4 stars). 2 submissions from 2 submitters: Uncertain significance (1); Likely benign (1). Last evaluated 2025-03-23.

Conditions:
KBG syndrome (KBGS). Also called: ANKRD11-Related KBG Syndrome. Identifiers: Orphanet 2332, MedGen C0220687, MONDO:0007846, OMIM 148050.
Inborn genetic diseases. Identifiers: MedGen C0950123, MeSH D030342.

Allele frequency attached by ClinVar (database versions not stated): gnomAD exomes 0.00001 and 0.00004; gnomAD 0.00002; TOPMed 0.00002; ExAC 0.00003.
gnomAD v4.1: 16 of 1,612,200 alleles (0.00099%); highest among the groups gnomAD compares: Admixed American, 0.015%; no homozygotes.

Submissions (2):

Labcorp Genetics (formerly Invitae), Labcorp
Classification: Uncertain significance for KBG syndrome. Last evaluated: 2025-03-23. Review status: criteria provided, single submitter. Criteria: Invitae Variant Classification Sherloc (09022015). Collection method: clinical testing. Allele origin: germline.
Comment: This sequence change replaces alanine, which is neutral and non-polar, with threonine, which is neutral and polar, at codon 1733 of the ANKRD11 protein (p.Ala1733Thr). This variant is present in population databases (rs780508146, gnomAD 0.01%). This variant has not been reported in the literature in individuals affected with ANKRD11-related conditions. ClinVar contains an entry for this variant (Variation ID: 1463048). Invitae Evidence Modeling of protein sequence and biophysical properties (such as structural, functional, and spatial information, amino acid conservation, physicochemical variation, residue mobility, and thermodynamic stability) indicates that this missense variant is not expected to disrupt ANKRD11 protein function with a negative predictive value of 95%. In summary, the available evidence is currently insufficient to determine the role of this variant in disease. Therefore, it has been classified as a Variant of Uncertain Significance.

Ambry Genetics
Classification: Likely benign for Inborn genetic diseases. Last evaluated: 2021-08-09. Review status: criteria provided, single submitter. Criteria: Ambry Variant Classification Scheme 2023. Collection method: clinical testing. Allele origin: germline.

NM_013275.6(ANKRD11):c.5197G>A (p.Ala1733Thr)

Gene: ANKRD11 (ankyrin repeat domain 11; minus strand). Cytogenetic location: 16q24.3.
Variant type: single nucleotide variant.
Coding change: c.5197G>A on transcript NM_013275.6 (MANE Select); coding-DNA position 5197, G replaced by A.
Protein change: p.Ala1733Thr; replaces alanine 1733 with threonine.
Molecular consequence: missense variant.
Genome position (GRCh38, 1-based): chr16:89,281,345, C>T on the plus strand (G>A on the coding strand, the complement: ANKRD11 is on the minus strand). VCF-style: chr16-89281345-C-T. GRCh37 (hg19) VCF-style: chr16-89347753-C-T.
Other names: c.5197G>A, p.Ala1733Thr (NM_001256182.2, NM_001256183.2); c.5197G>A (NM_013275.4); short protein forms A1733T.
Identifiers: ClinVar variation 1463048 (VCV001463048.7), dbSNP rs780508146, ClinGen allele CA8241913.
Genomic context (GRCh38, chr16:89,281,345, plus strand): 5'-TGGGAGCGGTGGGCACGGGCGTGGAGTGCTGCGAGTCGGCGCAGTCGAACACGAGGTCCG[C>T]GTAGTCATCGGCGCTGCAGGACGGGGTCCTGGGCGTGTGCATCACCTCCTCGTAGCTGGG-3'
Protein context (NP_037407.4, residues 1723-1743): RTPSCSADDY[Ala1733Thr]DLVFDCADSQ